The following is an entry in ClinVar:

ClinVar aggregate classification (germline): Likely benign (1 of 4 stars; one submission).

Conditions:
Familial cancer of breast. Also called: Hereditary breast cancer; hereditary breast carcinoma; BREAST CANCER, FAMILIAL. Identifiers: Orphanet 227535, MedGen C0346153, MONDO:0016419, OMIM 114480. Disease mechanism: loss of function.

Submission:

Myriad Genetics, Inc.
Classification: Likely benign for Familial cancer of breast. Last evaluated: 2025-01-17. Review status: criteria provided, single submitter. Criteria: Myriad Autosomal Dominant, Autosomal Recessive and X-Linked Classification Criteria (2023). Collection method: clinical testing. Allele origin: unknown.
Comment: This variant is considered likely benign. This variant is intronic and is not expected to impact mRNA splicing.

NM_024675.4(PALB2):c.2749-17T>C

Gene: PALB2 (partner and localizer of BRCA2; minus strand). Cytogenetic location: 16p12.2.
Variant type: single nucleotide variant.
Coding change: c.2749-17T>C on transcript NM_024675.4 (MANE Select); 17 bases into the intron before coding-DNA position 2749, T replaced by C.
Molecular consequence: intron variant.
Genome position (GRCh38, 1-based): chr16:23,624,111, A>G on the plus strand (T>C on the coding strand, the complement: PALB2 is on the minus strand). VCF-style: chr16-23624111-A-G. GRCh37 (hg19) VCF-style: chr16-23635432-A-G.
Other names: c.1864-17T>C (NM_001407308.1, NM_001407306.1, NM_001407309.1 and 4 more transcripts); c.2677-17T>C (NM_001407297.1); c.2587-17T>C (NM_001407302.1, NM_001407298.1); c.283-17T>C (NM_001407314.1); c.961-17T>C (NM_001407313.1, NM_001407312.1); c.2689-17T>C (NM_001407296.1); c.2749-17T>C (NM_001407300.1, NM_001407299.1, NM_001407301.1); c.1702-17T>C (NM_001407307.1).
Identifiers: ClinVar variation 3903734 (VCV003903734.1).
Genomic context (GRCh38, chr16:23,624,111, plus strand): 5'-AGATTATACACATCAGGCACTGGAACTATCTGTAATACTGGAACCTAAATAAAACAAAGC[A>G]GCCAAAAATTATGCTTGGTTGTTTCATTTTTGTTTAATCCAGATTTTCCAAAATTTATCA-3'